The following is an entry in ClinVar:

NM_014053.4(FLVCR1):c.350A>G (p.Tyr117Cys)

Gene: FLVCR1 (FLVCR choline and heme transporter 1; plus strand). Cytogenetic location: 1q32.3.
Variant type: single nucleotide variant.
Coding change: c.350A>G on transcript NM_014053.4 (MANE Select); coding-DNA position 350, A replaced by G.
Protein change: p.Tyr117Cys; replaces tyrosine 117 with cysteine.
Molecular consequence: missense variant.
Genome position (GRCh38, 1-based): chr1:212,858,802, A>G. VCF-style: chr1-212858802-A-G. GRCh37 (hg19) VCF-style: chr1-213032144-A-G.
Other names: p.Tyr117Cys; short protein forms Y117C.
Identifiers: ClinVar variation 3380586 (VCV003380586.1).

ClinVar aggregate classification (germline): Uncertain significance (1 of 4 stars; one submission).

Submission:

Mayo Clinic Laboratories, Mayo Clinic
Classification: Uncertain significance. Last evaluated: 2024-04-08. Review status: criteria provided, single submitter. Criteria: ACMG Guidelines, 2015. Collection method: clinical testing. Allele origin: germline. Observed: 1 variant allele.
Comment: BP4, PM2